The following is an entry in ClinVar:

NM_001943.5(DSG2):c.2389C>G (p.Leu797Val)

Genes: DSG2 (desmoglein 2; plus strand), DSG2-AS1 (DSG2 antisense RNA 1; minus strand). Cytogenetic location: 18q12.1.
Variant type: single nucleotide variant.
Coding change: c.2389C>G on transcript NM_001943.5 (MANE Select); coding-DNA position 2389, C replaced by G.
Protein change: p.Leu797Val; replaces leucine 797 with valine.
Molecular consequence: missense variant. On other transcripts: non-coding transcript variant (1).
Genome position (GRCh38, 1-based): chr18:31,545,775, C>G. VCF-style: chr18-31545775-C-G. GRCh37 (hg19) VCF-style: chr18-29125738-C-G.
Other names: short protein forms L797V.
Identifiers: ClinVar variation 3361907 (VCV003361907.1).

ClinVar aggregate classification (germline): Uncertain significance (1 of 4 stars; one submission).

Submission:

GeneDx
Classification: Uncertain significance. Last evaluated: 2023-08-07. Review status: criteria provided, single submitter. Criteria: GeneDx Variant Classification Process June 2021. Collection method: clinical testing. Allele origin: germline. Affected: yes.
Comment: Not observed at significant frequency in large population cohorts (gnomAD); In silico analysis supports that this missense variant has a deleterious effect on protein structure/function; Has not been previously published as pathogenic or benign to our knowledge